The following is an entry in ClinVar:

NM_020975.6(RET):c.2101G>A (p.Glu701Lys)

Gene: RET (ret proto-oncogene; plus strand). Cytogenetic location: 10q11.21.
Variant type: single nucleotide variant.
Coding change: c.2101G>A on transcript NM_020975.6 (MANE Select); coding-DNA position 2101, G replaced by A.
Protein change: p.Glu701Lys; replaces glutamic acid 701 with lysine.
Molecular consequence: missense variant.
Genome position (GRCh38, 1-based): chr10:43,114,701, G>A. VCF-style: chr10-43114701-G-A. GRCh37 (hg19) VCF-style: chr10-43610149-G-A.
Other names: c.1339G>A, p.Glu447Lys (NM_001355216.2); c.2101G>A, p.Glu701Lys (NM_001406743.1, NM_001406744.1, NM_001406759.1 and 2 more transcripts); c.1813G>A, p.Glu605Lys (NM_001406770.1, NM_001406766.1, NM_001406767.1); c.1663G>A, p.Glu555Lys (NM_001406771.1, NM_001406773.1); c.1705G>A, p.Glu569Lys (NM_001406772.1, NM_001406769.1); c.1576G>A, p.Glu526Lys (NM_001406774.1); c.1375G>A, p.Glu459Lys (NM_001406775.1, NM_001406776.1, NM_001406777.1 and 1 more transcripts); c.1204G>A, p.Glu402Lys (NM_001406779.1, NM_001406780.1, NM_001406781.1 and 1 more transcripts); and 10 more; short protein forms E359K, E613K, E701K, E362K, E447K, E306K, E526K, E555K.
Identifiers: ClinVar variation 3944691 (VCV003944691.1).

ClinVar aggregate classification (germline): Uncertain significance (1 of 4 stars; one submission).

Conditions:
Hereditary cancer-predisposing syndrome. Also called: Tumor predisposition; Hereditary neoplastic syndrome; Hereditary Cancer Syndrome; Neoplastic Syndromes, Hereditary. Identifiers: Orphanet 140162, MedGen C0027672, MeSH D009386, MONDO:0015356.

gnomAD v4.1: 2 of 1,611,998 alleles (0.00012%); no homozygotes.

Submission:

Ambry Genetics
Classification: Uncertain significance for Hereditary cancer-predisposing syndrome. Last evaluated: 2025-05-10. Review status: criteria provided, single submitter. Criteria: Ambry Variant Classification Scheme 2023. Collection method: clinical testing. Allele origin: germline.
Comment: The p.E701K variant (also known as c.2101G>A), located in coding exon 11 of the RET gene, results from a G to A substitution at nucleotide position 2101. The glutamic acid at codon 701 is replaced by lysine, an amino acid with similar properties. This amino acid position is highly conserved in available vertebrate species. In addition, this alteration is predicted to be deleterious by in silico analysis. Based on the available evidence, the clinical significance of this variant remains unclear.